The following is an entry in ClinVar:

NM_000287.4(PEX6):c.2426C>T (p.Ala809Val)

Gene: PEX6 (peroxisomal biogenesis factor 6; minus strand). Cytogenetic location: 6p21.1.
Variant type: single nucleotide variant.
Coding change: c.2426C>T on transcript NM_000287.4 (MANE Select); coding-DNA position 2426, C replaced by T.
Protein change: p.Ala809Val; replaces alanine 809 with valine.
Molecular consequence: missense variant. On other transcripts: non-coding transcript variant (1).
Genome position (GRCh38, 1-based): chr6:42,965,726, G>A on the plus strand (C>T on the coding strand, the complement: PEX6 is on the minus strand). VCF-style: chr6-42965726-G-A. GRCh37 (hg19) VCF-style: chr6-42933464-G-A.
Other names: c.2162C>T, p.Ala721Val (NM_001316313.2); short protein forms A809V, A721V.
Identifiers: ClinVar variation 167463 (VCV000167463.33), dbSNP rs35830695, ClinGen allele CA180292.

ClinVar aggregate classification (germline): Benign/Likely benign. Review status: criteria provided, multiple submitters, no conflicts (2 of 4 stars). 16 submissions from 14 submitters: Benign (9); Likely benign (3). 4 of the submissions do not count toward it. Last evaluated 2026-02-04.

Conditions:
Zellweger spectrum disorders (ZS). Also called: Zellweger Spectrum Disorder (ZSD); Zellweger Spectrum Disorder; Zellweger Spectrum; Zellweger syndrome. Identifiers: Orphanet 912, MedGen C0043459, MONDO:0019609.
Heimler syndrome 2 (HMLR2). Also called: PEROXISOME BIOGENESIS DISORDER 4C. Identifiers: Orphanet 3220, MedGen C4225267, OMIM 616617, MONDO:0014709.
Peroxisome biogenesis disorder. Identifiers: Orphanet 79189, MedGen C1832200, MONDO:0019234. Disease mechanism: loss of function.
Peroxisome biogenesis disorder 4A (Zellweger) (PBD4A). Also called: Zellweger syndrome spectrum (PEX6-related). Identifiers: Orphanet 912, MedGen C3553936, MONDO:0013930, OMIM 614862. Disease mechanism: loss of function.
Peroxisome biogenesis disorder 4B (PBD4B). Also called: SPINOCEREBELLAR ATAXIA WITH BLINDNESS AND DEAFNESS 1. Identifiers: Orphanet 44, Orphanet 95433, MedGen C3553937, MONDO:0013931, OMIM 614863.

Allele frequency attached by ClinVar (database versions not stated): gnomAD 0.07353 and 0.07211; 1000 Genomes Project 0.07508; 1000 Genomes Project 30x 0.07886; gnomAD exomes 0.05566 and 0.05529; TOPMed 0.07575; ESP Exome Variant Server 0.08035; ExAC 0.05824.

Submissions (16):

Labcorp Genetics (formerly Invitae), Labcorp
Classification: Benign for Peroxisome biogenesis disorder. Last evaluated: 2026-02-04. Review status: criteria provided, single submitter. Criteria: Invitae Variant Classification Sherloc (09022015). Collection method: clinical testing. Allele origin: germline.

Blueprint Genetics
Classification: Likely benign. Last evaluated: 2024-11-26. Review status: criteria provided, single submitter. Criteria: ACMG Guidelines, 2015. Collection method: clinical testing. Allele origin: germline.

Genome-Nilou Lab
Classification: Benign for Heimler syndrome 2. Last evaluated: 2021-07-10. Review status: criteria provided, single submitter. Criteria: ACMG Guidelines, 2015. Collection method: clinical testing. Allele origin: germline. Affected: no.

Genome-Nilou Lab
Classification: Benign for Peroxisome biogenesis disorder 4A (Zellweger). Last evaluated: 2021-07-10. Review status: criteria provided, single submitter. Criteria: ACMG Guidelines, 2015. Collection method: clinical testing. Allele origin: germline. Affected: no.

Genome-Nilou Lab
Classification: Benign for Peroxisome biogenesis disorder 4B. Last evaluated: 2021-07-10. Review status: criteria provided, single submitter. Criteria: ACMG Guidelines, 2015. Collection method: clinical testing. Allele origin: germline. Affected: no.

Women's Health and Genetics/Laboratory Corporation of America, LabCorp
Classification: Likely benign. Last evaluated: 2021-04-05. Review status: criteria provided, single submitter. Criteria: LabCorp Variant Classification Summary - May 2015. Collection method: clinical testing. Allele origin: germline.

Mendelics
Classification: Benign for Peroxisome biogenesis disorder 4A (Zellweger). Last evaluated: 2019-05-28. Review status: criteria provided, single submitter. Criteria: Mendelics Assertion Criteria 2017. Collection method: clinical testing. Allele origin: unknown.

Athena Diagnostics
Classification: Benign. Last evaluated: 2018-11-26. Review status: criteria provided, single submitter. Criteria: Athena Diagnostics Criteria. Collection method: clinical testing. Allele origin: germline.

GeneDx
Classification: Benign. Last evaluated: 2018-11-15. Review status: criteria provided, single submitter. Criteria: GeneDx Variant Classification Process June 2021. Collection method: clinical testing. Allele origin: germline. Affected: yes.
Comment: This variant is associated with the following publications: (PMID: 11873320, 20981092, 19142205, 27884173, 30245029)

Illumina Laboratory Services, Illumina
Classification: Benign for Peroxisome biogenesis disorder 4A (Zellweger). Last evaluated: 2018-03-06. Review status: criteria provided, single submitter. Criteria: ICSL Variant Classification Criteria 13 December 2019. Collection method: clinical testing. Allele origin: germline.
Comment: This variant was observed in the ICSL laboratory as part of a predisposition screen in an ostensibly healthy population. It had not been previously curated by ICSL or reported in the Human Gene Mutation Database (HGMD: prior to June 1st, 2018), and was therefore a candidate for classification through an automated scoring system. Utilizing variant allele frequency, disease prevalence and penetrance estimates, and inheritance mode, an automated score was calculated to assess if this variant is too frequent to cause the disease. Based on the score and internal cut-off values, a variant classified as benign is not then subjected to further curation. The score for this variant resulted in a classification of benign for this disease.

Eurofins Ntd Llc (ga)
Classification: Benign. Last evaluated: 2014-03-10. Review status: criteria provided, single submitter. Criteria: EGL Classification Definitions 2015. Collection method: clinical testing. Allele origin: germline. Observed: 1 variant allele, 1 heterozygote.

Breakthrough Genomics
Classification: Likely benign. Review status: criteria provided, single submitter. Criteria: ACMG Guidelines, 2015. Collection method: not provided. Allele origin: germline. Inheritance: Autosomal recessive inheritance. Affected: yes.

Natera, Inc.
Classification: Benign for Zellweger syndrome. Last evaluated: 2020-09-16. Review status: no assertion criteria provided. Collection method: clinical testing. Allele origin: germline. Not counted in ClinVar's aggregate classification.

Mayo Clinic Laboratories, Mayo Clinic
Classification: Benign. Last evaluated: 2017-07-13. Review status: no assertion criteria provided. Collection method: clinical testing. Allele origin: unknown. Not counted in ClinVar's aggregate classification.

Diagnostic Laboratory, Department of Genetics, University Medical Center Groningen
Classification: Likely benign. Review status: no assertion criteria provided. Collection method: clinical testing. Allele origin: germline. Affected: yes. Study: VKGL Data-share Consensus. Not counted in ClinVar's aggregate classification.

Genome Diagnostics Laboratory, University Medical Center Utrecht
Classification: Benign. Review status: no assertion criteria provided. Collection method: clinical testing. Allele origin: germline. Affected: yes. Study: VKGL Data-share Consensus. Not counted in ClinVar's aggregate classification.